The following is an entry in ClinVar:

ClinVar aggregate classification (germline): Uncertain significance (1 of 4 stars; one submission).

Conditions:
Luscan-Lumish syndrome. Identifiers: Orphanet 597738, MedGen C4085873, MONDO:0014791, OMIM 616831.

Submission:

3billion
Classification: Uncertain significance for Luscan-Lumish syndrome. Last evaluated: 2025-02-13. Review status: criteria provided, single submitter. Criteria: ACMG Guidelines, 2015. Collection method: clinical testing. Allele origin: germline. Affected: yes.
Comment: The variant is not observed in the gnomAD v4.1.0 dataset. Predicted Consequence/Location: Missense variant. The majority of the known disease-causing variants of this gene are variants expected to result in premature termination of the protein. In silico tool predictions suggest damaging effect of the variant on gene or gene product [REVEL: 0.69 (>=0.6, sensitivity 0.68 and specificity 0.92)]. Different missense changes at the same codon have been reported as of uncertain significance (ClinVar ID: VCV002429065). Therefore, this variant is classified as VUS according to the recommendation of ACMG/AMP guideline.

NM_014159.7(SETD2):c.4623T>A (p.Asn1541Lys)

Gene: SETD2 (SET domain containing 2, histone lysine methyltransferase; minus strand). Cytogenetic location: 3p21.31.
Variant type: single nucleotide variant.
Coding change: c.4623T>A on transcript NM_014159.7 (MANE Select); coding-DNA position 4623, T replaced by A.
Protein change: p.Asn1541Lys; replaces asparagine 1541 with lysine.
Molecular consequence: missense variant. On other transcripts: non-coding transcript variant (1).
Genome position (GRCh38, 1-based): chr3:47,113,968, A>T on the plus strand (T>A on the coding strand, the complement: SETD2 is on the minus strand). VCF-style: chr3-47113968-A-T. GRCh37 (hg19) VCF-style: chr3-47155458-A-T.
Other names: c.4491T>A, p.Asn1497Lys (NM_001349370.3); short protein forms N1497K, N1541K.
Identifiers: ClinVar variation 4292713 (VCV004292713.1).